The following is an entry in ClinVar:

NM_001005361.3(DNM2):c.2144A>T (p.Gln715Leu)

Gene: DNM2 (dynamin 2; plus strand). Cytogenetic location: 19p13.2.
Variant type: single nucleotide variant.
Coding change: c.2144A>T on transcript NM_001005361.3 (MANE Select); coding-DNA position 2144, A replaced by T.
Protein change: p.Gln715Leu; replaces glutamine 715 with leucine.
Molecular consequence: missense variant.
Genome position (GRCh38, 1-based): chr19:10,829,121, A>T. VCF-style: chr19-10829121-A-T. GRCh37 (hg19) VCF-style: chr19-10939797-A-T.
Other names: c.2144A>T, p.Gln715Leu (NM_001005360.3, NM_001190716.2); c.2132A>T, p.Gln711Leu (NM_001005362.3, NM_004945.4); short protein forms Q715L, Q711L.
Identifiers: ClinVar variation 1909827 (VCV001909827.5), dbSNP rs374041367, ClinGen allele CA9201531.

ClinVar aggregate classification (germline): Uncertain significance (1 of 4 stars; one submission).

Conditions:
Charcot-Marie-Tooth disease dominant intermediate B (CMTDIB). Also called: CHARCOT-MARIE-TOOTH NEUROPATHY, DOMINANT INTERMEDIATE B; Charcot-Marie-Tooth disease dominant intermediate 1; CMT DI1; Charcot-Marie-Tooth disease dominant intermediate I. Identifiers: Orphanet 100044, Orphanet 228179, MedGen C1847902, MONDO:0011674, OMIM 606482.

Allele frequency attached by ClinVar (database versions not stated): ExAC 0.00002; ESP Exome Variant Server 0.00008.
gnomAD v4.1: 7 of 1,613,954 alleles (0.00043%); highest among the groups gnomAD compares: African/African-American, 0.0093%; no homozygotes.

Submission:

Labcorp Genetics (formerly Invitae), Labcorp
Classification: Uncertain significance for Charcot-Marie-Tooth disease dominant intermediate B. Last evaluated: 2022-05-14. Review status: criteria provided, single submitter. Criteria: Invitae Variant Classification Sherloc (09022015). Collection method: clinical testing. Allele origin: germline.
Comment: In summary, the available evidence is currently insufficient to determine the role of this variant in disease. Therefore, it has been classified as a Variant of Uncertain Significance. Algorithms developed to predict the effect of missense changes on protein structure and function are either unavailable or do not agree on the potential impact of this missense change (SIFT: "Tolerated"; PolyPhen-2: "Possibly Damaging"; Align-GVGD: "Class C0"). This variant has not been reported in the literature in individuals affected with DNM2-related conditions. This variant is present in population databases (rs374041367, gnomAD 0.008%). This sequence change replaces glutamine, which is neutral and polar, with leucine, which is neutral and non-polar, at codon 715 of the DNM2 protein (p.Gln715Leu).